The following is an entry in ClinVar:

NM_000435.3(NOTCH3):c.316T>C (p.Cys106Arg)

Gene: NOTCH3 (notch receptor 3; minus strand). Cytogenetic location: 19p13.12.
Variant type: single nucleotide variant.
Coding change: c.316T>C on transcript NM_000435.3 (MANE Select); coding-DNA position 316, T replaced by C.
Protein change: p.Cys106Arg; replaces cysteine 106 with arginine.
Molecular consequence: missense variant.
Genome position (GRCh38, 1-based): chr19:15,192,401, A>G on the plus strand (T>C on the coding strand, the complement: NOTCH3 is on the minus strand). VCF-style: chr19-15192401-A-G. GRCh37 (hg19) VCF-style: chr19-15303212-A-G.
Other names: short protein forms C106R.
Identifiers: ClinVar variation 447828 (VCV000447828.6), dbSNP rs1555729589, ClinGen allele CA404534799.

ClinVar aggregate classification (germline): Pathogenic. Review status: criteria provided, multiple submitters, no conflicts (2 of 4 stars). 2 submissions from 2 submitters: Pathogenic (2). Last evaluated 2025-06-17.

Submissions (2):

Athena Diagnostics
Classification: Pathogenic. Last evaluated: 2025-06-17. Review status: criteria provided, single submitter. Criteria: Athena Diagnostics Criteria. Collection method: clinical testing. Allele origin: unknown.
Comment: This variant alters a critical location within the protein, and is expected to severely affect function and cause disease. This variant has not been reported in large, multi-ethnic general populations. This variant has been identified in at least one individual with clinical features associated with CADASIL. Greater than 90% of NOTCH3 pathogenic variants associated with CADASIL involve the gain or loss of a cysteine residue within the epidermal growth factor (EGF)-like repeat domain (PMID: 32457593, 20301673).

Labcorp Genetics (formerly Invitae), Labcorp
Classification: Pathogenic. Last evaluated: 2022-06-24. Review status: criteria provided, single submitter. Criteria: Invitae Variant Classification Sherloc (09022015). Collection method: clinical testing. Allele origin: germline.
Comment: This variant disrupts the p.Cys106 amino acid residue in NOTCH3. Other variant(s) that disrupt this residue have been observed in individuals with NOTCH3-related conditions (PMID: 15364702, 25973016, 32277177), which suggests that this may be a clinically significant amino acid residue. For these reasons, this variant has been classified as Pathogenic. Advanced modeling of protein sequence and biophysical properties (such as structural, functional, and spatial information, amino acid conservation, physicochemical variation, residue mobility, and thermodynamic stability) performed at Invitae indicates that this missense variant is expected to disrupt NOTCH3 protein function. This sequence change replaces cysteine, which is neutral and slightly polar, with arginine, which is basic and polar, at codon 106 of the NOTCH3 protein (p.Cys106Arg). This variant is not present in population databases (gnomAD no frequency). This missense change has been observed in individuals with autosomal dominant cerebral arteriopathy with subcortical infarcts and leukoencephalopathy 1 (PMID: 32277177; Invitae). ClinVar contains an entry for this variant (Variation ID: 447828).

Literature cited by the submitters: PubMed 23097052 (cited by Athena Diagnostics); PubMed 22179564 (cited by Athena Diagnostics); PubMed 32277177 (cited by Athena Diagnostics and Labcorp Genetics (formerly Invitae), Labcorp); PubMed 35754959 (cited by Athena Diagnostics); PubMed 28991717 (cited by Athena Diagnostics); PubMed 30956055 (cited by Athena Diagnostics); PubMed 32765252 (cited by Athena Diagnostics); PubMed 15364702 (cited by Labcorp Genetics (formerly Invitae), Labcorp); PubMed 25973016 (cited by Labcorp Genetics (formerly Invitae), Labcorp).